The following is an entry in ClinVar:

ClinVar aggregate classification (germline): Uncertain significance (1 of 4 stars; one submission).

Submission:

Women's Health and Genetics/Laboratory Corporation of America, LabCorp
Classification: Uncertain significance. Last evaluated: 2024-05-17. Review status: criteria provided, single submitter. Criteria: LabCorp Variant Classification Summary - May 2015. Collection method: clinical testing. Allele origin: germline.
Comment: Variant summary: SLC12A3 c.1391C>T (p.Ala464Val) results in a non-conservative amino acid change located in the Amino acid permease/ SLC12A domain (IPR004841) of the encoded protein sequence. Five of five in-silico tools predict a damaging effect of the variant on protein function. The variant was absent in 251038 control chromosomes. The available data on variant occurrences in the general population are insufficient to allow any conclusion about variant significance. To our knowledge, no occurrence of c.1391C>T in individuals affected with Familial Hypokalemia-Hypomagnesemia and no experimental evidence demonstrating its impact on protein function have been reported. No submitters have cited clinical-significance assessments for this variant to ClinVar. Based on the evidence outlined above, the variant was classified as uncertain significance.

NM_001126108.2(SLC12A3):c.1391C>T (p.Ala464Val)

Gene: SLC12A3 (solute carrier family 12 member 3; plus strand). Cytogenetic location: 16q13.
Variant type: single nucleotide variant.
Coding change: c.1391C>T on transcript NM_001126108.2 (MANE Select); coding-DNA position 1391, C replaced by T.
Protein change: p.Ala464Val; replaces alanine 464 with valine.
Molecular consequence: missense variant.
Genome position (GRCh38, 1-based): chr16:56,879,597, C>T. VCF-style: chr16-56879597-C-T. GRCh37 (hg19) VCF-style: chr16-56913509-C-T.
Other names: c.1391C>T, p.Ala464Val (NM_000339.3); c.1388C>T, p.Ala463Val (NM_001126107.2, NM_001410896.1); short protein forms A463V, A464V.
Identifiers: ClinVar variation 3336523 (VCV003336523.1).